The following is an entry in ClinVar:

ClinVar aggregate classification (germline): Conflicting classifications of pathogenicity. Review status: criteria provided, conflicting classifications (1 of 4 stars). 3 submissions from 3 submitters: Uncertain significance (2); Benign (1). Last evaluated 2026-01-24.

Conditions:
Pulmonary alveolar proteinosis with hypogammaglobulinemia. Identifiers: Orphanet 572428, MedGen C4747984, MONDO:0020840, OMIM 618042.

Allele frequency attached by ClinVar (database versions not stated): ExAC 0.00005; gnomAD exomes 0.00005 and 0.00007; ESP Exome Variant Server 0.00015; 1000 Genomes Project 30x 0.00016; 1000 Genomes Project 0.00020; gnomAD 0.00021 and 0.00023; TOPMed 0.00021.
gnomAD v4.1: 104 of 1,611,262 alleles (0.0065%); highest among the groups gnomAD compares: African/African-American, 0.088%; no homozygotes.

Submissions (3):

Labcorp Genetics (formerly Invitae), Labcorp
Classification: Benign. Last evaluated: 2026-01-24. Review status: criteria provided, single submitter. Criteria: Invitae Variant Classification Sherloc (09022015). Collection method: clinical testing. Allele origin: germline.

Johns Hopkins Genomics, Johns Hopkins University
Classification: Uncertain significance for Pulmonary alveolar proteinosis with hypogammaglobulinemia. Last evaluated: 2023-01-18. Review status: criteria provided, single submitter. Criteria: ACMG Guidelines, 2015. Collection method: clinical testing. Allele origin: germline.
Comment: This OAS1 missense variant (rs142314177) is rare (<0.1%) in a large population dataset (gnomAD v3.1.2: 32/152216 total alleles; 0.02%; no homozygotes). The variant has been reported in ClinVar (Variation ID 1036262), but not in the literature, to our knowledge. Two bioinformatic tools queried predict that this substitution would be tolerated, but these algorithms have low specificity, especially for predicting gain of function. The leucine residue at this position is evolutionarily conserved across very few of the species assessed, and two of the species assessed have phenylalanine at this position. We consider the clinical significance of c.415C>T; p.Leu139Phe in OAS1 to be uncertain at this time.

Ambry Genetics
Classification: Uncertain significance. Last evaluated: 2021-08-02. Review status: criteria provided, single submitter. Criteria: Ambry Variant Classification Scheme 2023. Collection method: clinical testing. Allele origin: germline.

Literature cited by the submitters: PubMed 29455859 (cited by Johns Hopkins Genomics, Johns Hopkins University); PubMed 34145065 (cited by Johns Hopkins Genomics, Johns Hopkins University).

NM_016816.4(OAS1):c.415C>T (p.Leu139Phe)

Gene: OAS1 (2'-5'-oligoadenylate synthetase 1; plus strand). Cytogenetic location: 12q24.13.
Variant type: single nucleotide variant.
Coding change: c.415C>T on transcript NM_016816.4 (MANE Select); coding-DNA position 415, C replaced by T.
Protein change: p.Leu139Phe; replaces leucine 139 with phenylalanine.
Molecular consequence: missense variant.
Genome position (GRCh38, 1-based): chr12:112,908,770, C>T. VCF-style: chr12-112908770-C-T. GRCh37 (hg19) VCF-style: chr12-113346575-C-T.
Other names: c.415C>T (NM_016816.3, NM_016816.2); c.415C>T, p.Leu139Phe (NM_001032409.3, NM_001320151.2, NM_002534.4); short protein forms L139F.
Identifiers: ClinVar variation 1036262 (VCV001036262.10), dbSNP rs142314177, ClinGen allele CA6799761.